The following is an entry in ClinVar:

ClinVar aggregate classification (germline): Uncertain significance (1 of 4 stars; one submission).

Allele frequency attached by ClinVar (database versions not stated): gnomAD exomes below 0.00001.
gnomAD v4.1: 2 of 1,614,088 alleles (0.00012%); highest among the groups gnomAD compares: Non-Finnish European, 0.00017%; no homozygotes.

Submission:

GeneDx
Classification: Uncertain significance. Last evaluated: 2022-05-23. Review status: criteria provided, single submitter. Criteria: GeneDx Variant Classification Process June 2021. Collection method: clinical testing. Allele origin: germline. Affected: yes.
Comment: Not observed at significant frequency in large population cohorts (gnomAD); Missense variant in a gene in which most reported pathogenic variants are truncating/loss of function; Has not been previously published as pathogenic or benign to our knowledge

NM_001267550.2(TTN):c.7363A>G (p.Asn2455Asp)

Genes: TTN (titin; minus strand), LOC126806433 (BRD4-independent group 4 enhancer GRCh37_chr2:179638309-179639508; plus strand). Cytogenetic location: 2q31.2.
Variant type: single nucleotide variant.
Coding change: c.7363A>G on transcript NM_001267550.2 (MANE Select); coding-DNA position 7363, A replaced by G.
Protein change: p.Asn2455Asp; replaces asparagine 2455 with aspartic acid.
Molecular consequence: missense variant.
Genome position (GRCh38, 1-based): chr2:178,773,693, T>C on the plus strand (A>G on the coding strand, the complement: TTN is on the minus strand). VCF-style: chr2-178773693-T-C. GRCh37 (hg19) VCF-style: chr2-179638420-T-C.
Other names: c.7363A>G, p.Asn2455Asp (NM_001256850.1, NM_133378.4, NM_133379.5); c.7225A>G, p.Asn2409Asp (NM_003319.4, NM_133432.3, NM_133437.4); short protein forms N2409D, N2455D.
Identifiers: ClinVar variation 1801157 (VCV001801157.1), dbSNP rs1561255734, ClinGen allele CA349680453.